The following is an entry in ClinVar:

NM_000548.5(TSC2):c.2743-15T>C

Gene: TSC2 (TSC complex subunit 2; plus strand). Cytogenetic location: 16p13.3.
Variant type: single nucleotide variant.
Coding change: c.2743-15T>C on transcript NM_000548.5 (MANE Select); 15 bases into the intron before coding-DNA position 2743, T replaced by C.
Molecular consequence: intron variant.
Genome position (GRCh38, 1-based): chr16:2,076,476, T>C. VCF-style: chr16-2076476-T-C. GRCh37 (hg19) VCF-style: chr16-2126477-T-C.
Other names: c.2743-15T>C (NM_001114382.3, NM_021055.3, NM_001370405.1 and 3 more transcripts); c.2632-15T>C (NM_001318827.2); c.2143-15T>C (NM_001318831.2); c.2596-15T>C (NM_001318829.2); c.2776-15T>C (NM_001318832.2).
Identifiers: ClinVar variation 1547763 (VCV001547763.9), dbSNP rs2089396082, ClinGen allele CA2202019761.
Genomic context (GRCh38, chr16:2,076,476, plus strand): 5'-GCACCCGGCAGGCCTGGTGAGGGCCTCCAGCCCCCATTGCCACCCCTCACTGTCTGGGTG[T>C]GCTCACTCTGCCAGGGCCTGCGGTCCAATGTCCTCTTGTCTTTTGATGACACCCCCGAGA-3'

ClinVar aggregate classification (germline): Likely benign. Review status: criteria provided, multiple submitters, no conflicts (2 of 4 stars). 2 submissions from 2 submitters: Likely benign (2). Last evaluated 2025-05-22.

Conditions:
Tuberous sclerosis 2 (TSC2). Identifiers: Orphanet 805, MedGen C1860707, MONDO:0013199, OMIM 613254.

Allele frequency attached by ClinVar (database versions not stated): gnomAD exomes below 0.00001.
gnomAD v4.1: 7 of 1,612,990 alleles (0.00043%); highest among the groups gnomAD compares: East Asian, 0.013%; no homozygotes.

Submissions (2):

Myriad Genetics, Inc.
Classification: Likely benign for Tuberous sclerosis 2. Last evaluated: 2025-05-22. Review status: criteria provided, single submitter. Criteria: Myriad Autosomal Dominant, Autosomal Recessive and X-Linked Classification Criteria (2023). Collection method: clinical testing. Allele origin: unknown.
Comment: This variant is considered likely benign. This variant is intronic and is not expected to impact mRNA splicing.

Labcorp Genetics (formerly Invitae), Labcorp
Classification: Likely benign for Tuberous sclerosis 2. Last evaluated: 2025-05-07. Review status: criteria provided, single submitter. Criteria: Invitae Variant Classification Sherloc (09022015). Collection method: clinical testing. Allele origin: germline.